The following is an entry in ClinVar:

NM_175607.3(CNTN4):c.2398+4T>C

Genes: CNTN4 (contactin 4; plus strand), CNTN4-AS1 (CNTN4 antisense RNA 1; minus strand). Cytogenetic location: 3p26.2.
Variant type: single nucleotide variant.
Coding change: c.2398+4T>C on transcript NM_175607.3 (MANE Select); 4 bases into the intron after coding-DNA position 2398, T replaced by C.
Molecular consequence: intron variant. On other transcripts: non-coding transcript variant (1).
Genome position (GRCh38, 1-based): chr3:3,040,275, T>C. VCF-style: chr3-3040275-T-C. GRCh37 (hg19) VCF-style: chr3-3081959-T-C.
Other names: c.2398+4T>C (NM_001350095.2, NM_001206955.2, NM_175607.2); c.1414+4T>C (NM_175613.3); c.1411+4T>C (NM_001206956.2).
Identifiers: ClinVar variation 1221661 (VCV001221661.6), dbSNP rs339284, ClinGen allele CA2227697.

ClinVar aggregate classification (germline): Benign. Review status: criteria provided, multiple submitters, no conflicts (2 of 4 stars). 3 submissions from 3 submitters: Benign (2). 1 of the submissions does not count toward it. Last evaluated 2018-11-10.

Conditions:
CNTN4-related disorder. Also called: CNTN4-related condition.

Allele frequency attached by ClinVar (database versions not stated): TOPMed 0.14828; ESP Exome Variant Server 0.15293; gnomAD exomes 0.08927 and 0.09381; ExAC 0.09302; 1000 Genomes Project 0.12161; 1000 Genomes Project 30x 0.12633; gnomAD 0.13961 and 0.14542.
gnomAD v4.1: 155,582 of 1,579,766 alleles (9.8%); highest among the groups gnomAD compares: African/African-American, 28%; 9,346 homozygotes.

Submissions (3):

GeneDx
Classification: Benign. Last evaluated: 2018-11-10. Review status: criteria provided, single submitter. Criteria: GeneDx Variant Classification Process June 2021. Collection method: clinical testing. Allele origin: germline. Affected: yes.

Breakthrough Genomics
Classification: Benign. Review status: criteria provided, single submitter. Criteria: ACMG Guidelines, 2015. Collection method: not provided. Allele origin: germline. Inheritance: Unknown mechanism. Affected: yes.

PreventionGenetics, part of Exact Sciences
Classification: Benign for CNTN4-related condition. Last evaluated: 2019-10-29. Review status: no assertion criteria provided. Collection method: clinical testing. Allele origin: germline. Not counted in ClinVar's aggregate classification.
Comment: This variant is classified as benign based on ACMG/AMP sequence variant interpretation guidelines (Richards et al. 2015 PMID: 25741868, with internal and published modifications).